The following is an entry in ClinVar:

ClinVar aggregate classification (germline): Uncertain significance. Review status: criteria provided, multiple submitters, no conflicts (2 of 4 stars). 2 submissions from 2 submitters: Uncertain significance (2). Last evaluated 2023-10-05.

Allele frequency attached by ClinVar (database versions not stated): gnomAD exomes below 0.00001.
gnomAD v4.1: 2 of 1,613,916 alleles (0.00012%); highest among the groups gnomAD compares: East Asian, 0.0022%; no homozygotes.

Submissions (2):

Labcorp Genetics (formerly Invitae), Labcorp
Classification: Uncertain significance. Last evaluated: 2023-10-05. Review status: criteria provided, single submitter. Criteria: Invitae Variant Classification Sherloc (09022015). Collection method: clinical testing. Allele origin: germline.
Comment: This sequence change replaces isoleucine, which is neutral and non-polar, with threonine, which is neutral and polar, at codon 1789 of the CHD8 protein (p.Ile1789Thr). This variant is not present in population databases (gnomAD no frequency). This variant has not been reported in the literature in individuals affected with CHD8-related conditions. ClinVar contains an entry for this variant (Variation ID: 1314700). Advanced modeling of protein sequence and biophysical properties (such as structural, functional, and spatial information, amino acid conservation, physicochemical variation, residue mobility, and thermodynamic stability) performed at Invitae indicates that this missense variant is not expected to disrupt CHD8 protein function. In summary, the available evidence is currently insufficient to determine the role of this variant in disease. Therefore, it has been classified as a Variant of Uncertain Significance.

GeneDx
Classification: Uncertain significance. Last evaluated: 2021-04-26. Review status: criteria provided, single submitter. Criteria: GeneDx Variant Classification Process June 2021. Collection method: clinical testing. Allele origin: germline. Affected: yes.
Comment: Has not been previously published as pathogenic or benign to our knowledge; Not observed in large population cohorts (Lek et al., 2016); In silico analysis supports that this missense variant does not alter protein structure/function

NM_001170629.2(CHD8):c.5366T>C (p.Ile1789Thr)

Gene: CHD8 (chromodomain helicase DNA binding protein 8; minus strand). Cytogenetic location: 14q11.2.
Variant type: single nucleotide variant.
Coding change: c.5366T>C on transcript NM_001170629.2 (MANE Select); coding-DNA position 5366, T replaced by C.
Protein change: p.Ile1789Thr; replaces isoleucine 1789 with threonine.
Molecular consequence: missense variant.
Genome position (GRCh38, 1-based): chr14:21,394,936, A>G on the plus strand (T>C on the coding strand, the complement: CHD8 is on the minus strand). VCF-style: chr14-21394936-A-G. GRCh37 (hg19) VCF-style: chr14-21863095-A-G.
Other names: c.4529T>C, p.Ile1510Thr (NM_020920.4); short protein forms I1510T, I1789T.
Identifiers: ClinVar variation 1314700 (VCV001314700.5), dbSNP rs1887711941, ClinGen allele CA388883890.